The following is an entry in ClinVar:

NM_144572.2(TBC1D2B):c.2289C>T (p.Leu763=)

Gene: TBC1D2B (TBC1 domain family member 2B; minus strand). Cytogenetic location: 15q25.1.
Variant type: single nucleotide variant.
Coding change: c.2289C>T on transcript NM_144572.2 (MANE Select); coding-DNA position 2289, C replaced by T.
Protein change: p.Leu763=; no amino-acid change (leucine 763 retained).
Molecular consequence: synonymous variant.
Genome position (GRCh38, 1-based): chr15:78,009,096, G>A on the plus strand (C>T on the coding strand, the complement: TBC1D2B is on the minus strand). VCF-style: chr15-78009096-G-A. GRCh37 (hg19) VCF-style: chr15-78301438-G-A.
Other names: c.1839C>T, p.Leu613= (NM_001387149.1); c.2289C>T, p.Leu763= (NM_015079.6, NM_001387142.1, NM_001387144.1); c.2286C>T, p.Leu762= (NM_001387143.1); c.1953C>T, p.Leu651= (NM_001387145.1, NM_001387146.1, NM_001387147.1 and 1 more transcripts).
Identifiers: ClinVar variation 2645601 (VCV002645601.24), dbSNP rs1309448811, ClinGen allele CA491391511.

ClinVar aggregate classification (germline): Likely benign (1 of 4 stars; one submission).

Allele frequency attached by ClinVar (database versions not stated): gnomAD exomes below 0.00001; gnomAD 0.00001; TOPMed 0.00002.
gnomAD v4.1: 4 of 1,603,144 alleles (0.00025%); highest among the groups gnomAD compares: Non-Finnish European, 0.00034%; no homozygotes.

Submission:

CeGaT Center for Human Genetics Tuebingen
Classification: Likely benign. Last evaluated: 2022-06-01. Review status: criteria provided, single submitter. Criteria: CeGaT Center For Human Genetics Tuebingen Variant Classification Criteria Version 2. Collection method: clinical testing. Allele origin: germline. Affected: yes. Observed: 1 variant allele.
Comment: TBC1D2B: BP4, BP7